The following is an entry in ClinVar:

ClinVar aggregate classification (germline): Uncertain significance (1 of 4 stars; one submission).

Conditions:
Hereditary cancer-predisposing syndrome. Also called: Hereditary Cancer Syndrome; Hereditary neoplastic syndrome; Neoplastic Syndromes, Hereditary; Tumor predisposition. Identifiers: Orphanet 140162, MedGen C0027672, MeSH D009386, MONDO:0015356.

Allele frequency attached by ClinVar (database versions not stated): gnomAD exomes below 0.00001.
gnomAD v4.1: 2 of 1,614,190 alleles (0.00012%); highest among the groups gnomAD compares: Non-Finnish European, 0.00017%; no homozygotes.

Submission:

Ambry Genetics
Classification: Uncertain significance for Hereditary cancer-predisposing syndrome. Last evaluated: 2022-03-01. Review status: criteria provided, single submitter. Criteria: Ambry Variant Classification Scheme 2023. Collection method: clinical testing. Allele origin: germline.
Comment: The p.V450L variant (also known as c.1348G>C), located in coding exon 9 of the CTNNA1 gene, results from a G to C substitution at nucleotide position 1348. The valine at codon 450 is replaced by leucine, an amino acid with highly similar properties. This amino acid position is conserved. In addition, the in silico prediction for this alteration is inconclusive. Since supporting evidence is limited at this time, the clinical significance of this alteration remains unclear.

NM_001903.5(CTNNA1):c.1348G>C (p.Val450Leu)

Gene: CTNNA1 (catenin alpha 1; plus strand). Cytogenetic location: 5q31.2.
Variant type: single nucleotide variant.
Coding change: c.1348G>C on transcript NM_001903.5 (MANE Select); coding-DNA position 1348, G replaced by C.
Protein change: p.Val450Leu; replaces valine 450 with leucine.
Molecular consequence: missense variant. On other transcripts: 5 prime UTR variant (6), intron variant (3).
Genome position (GRCh38, 1-based): chr5:138,904,400, G>C. VCF-style: chr5-138904400-G-C. GRCh37 (hg19) VCF-style: chr5-138240089-G-C.
Other names: c.1348G>C, p.Val450Leu (NM_001290307.3, NM_001323982.2, NM_001323983.1 and 2 more transcripts); c.1039G>C, p.Val347Leu (NM_001290309.3); c.979G>C, p.Val327Leu (NM_001290310.3); c.238G>C, p.Val80Leu (NM_001290312.1, NM_001323987.1, NM_001323988.1 and 17 more transcripts); c.-160G>C (NM_001324006.1, NM_001324007.1, NM_001324008.1 and 1 more transcripts); c.-6G>C (NM_001324012.1, NM_001324013.1); c.1297-13342G>C (NM_001323986.2); c.187-13342G>C (NM_001324011.1); and 1 more; short protein forms V450L, V327L, V347L, V80L.
Identifiers: ClinVar variation 1770530 (VCV001770530.2), dbSNP rs2533353655, ClinGen allele CA361135970.